The following is an entry in ClinVar:

NM_020937.4(FANCM):c.3106T>C (p.Cys1036Arg)

Gene: FANCM (FA complementation group M; plus strand). Cytogenetic location: 14q21.2.
Variant type: single nucleotide variant.
Coding change: c.3106T>C on transcript NM_020937.4 (MANE Select); coding-DNA position 3106, T replaced by C.
Protein change: p.Cys1036Arg; replaces cysteine 1036 with arginine.
Molecular consequence: missense variant.
Genome position (GRCh38, 1-based): chr14:45,175,860, T>C. VCF-style: chr14-45175860-T-C. GRCh37 (hg19) VCF-style: chr14-45645063-T-C.
Other names: c.3028T>C, p.Cys1010Arg (NM_001308133.2); short protein forms C1036R, C1010R.
Identifiers: ClinVar variation 4022886 (VCV004022886.1).

ClinVar aggregate classification (germline): Uncertain significance (1 of 4 stars; one submission).

Conditions:
Inborn genetic diseases. Identifiers: MedGen C0950123, MeSH D030342.

Submission:

Ambry Genetics
Classification: Uncertain significance for Inborn genetic diseases. Last evaluated: 2025-06-14. Review status: criteria provided, single submitter. Criteria: Ambry Variant Classification Scheme 2023. Collection method: clinical testing. Allele origin: germline.
Comment: The p.C1036R variant (also known as c.3106T>C), located in coding exon 14 of the FANCM gene, results from a T to C substitution at nucleotide position 3106. The cysteine at codon 1036 is replaced by arginine, an amino acid with highly dissimilar properties. This amino acid position is conserved. In addition, this alteration is predicted to be tolerated by in silico analysis. Based on the available evidence, the clinical significance of this variant remains unclear.